The following is an entry in ClinVar:

ClinVar aggregate classification (germline): Uncertain significance (1 of 4 stars; one submission).

Conditions:
SLC5A6-related disorder.

Allele frequency attached by ClinVar (database versions not stated): gnomAD exomes below 0.00001.

Submission:

Illumina Laboratory Services, Illumina
Classification: Uncertain significance for SLC5A6-related disorder. Last evaluated: 2020-05-31. Review status: criteria provided, single submitter. Criteria: ICSLVariantClassificationCriteria RUGD 01 April 2020. Collection method: clinical testing. Allele origin: unknown.
Comment: The SLC5A6 c.1307G>A (p.Gly436Glu) variant is a missense variant. A literature search was performed for the gene, cDNA change, and amino acid change. No publications were found based on this search. This variant is not found in the Genome Aggregation Database in a region of good sequence coverage, so the variant is presumed to be rare. Based on the limited evidence, the p.Gly436Glu variant is classified as a variant of uncertain significance for SLC5A6-related neurodegenerative disorder.

NM_021095.4(SLC5A6):c.1307G>A (p.Gly436Glu)

Gene: SLC5A6 (solute carrier family 5 member 6; minus strand). Cytogenetic location: 2p23.3.
Variant type: single nucleotide variant.
Coding change: c.1307G>A on transcript NM_021095.4 (MANE Select); coding-DNA position 1307, G replaced by A.
Protein change: p.Gly436Glu; replaces glycine 436 with glutamic acid.
Molecular consequence: missense variant. On other transcripts: non-coding transcript variant (1).
Genome position (GRCh38, 1-based): chr2:27,202,043, C>T on the plus strand (G>A on the coding strand, the complement: SLC5A6 is on the minus strand). VCF-style: chr2-27202043-C-T. GRCh37 (hg19) VCF-style: chr2-27424911-C-T.
Other names: short protein forms G436E.
Identifiers: ClinVar variation 989311 (VCV000989311.4), dbSNP rs1673682576, ClinGen allele CA346165166.